The following is an entry in ClinVar:

ClinVar aggregate classification (germline): Conflicting classifications of pathogenicity. Review status: criteria provided, conflicting classifications (1 of 4 stars). 3 submissions from 3 submitters: Uncertain significance (1); Likely benign (1). 1 of the submissions does not count toward it. Last evaluated 2024-10-09.

Conditions:
MHC class II deficiency. Also called: Bare lymphocyte syndrome 2; BLS, TYPE II. Identifiers: Orphanet 572, MedGen C5447452, MONDO:0008855.
Inborn genetic diseases. Identifiers: MedGen C0950123, MeSH D030342.

Allele frequency attached by ClinVar (database versions not stated): ExAC 0.00002; gnomAD 0.00002; gnomAD exomes 0.00002 and 0.00001; TOPMed 0.00001.
gnomAD v4.1: 13 of 1,613,992 alleles (0.00081%); highest among the groups gnomAD compares: Admixed American, 0.01%; no homozygotes.

Submissions (3):

Ambry Genetics
Classification: Likely benign for Inborn genetic diseases. Last evaluated: 2024-10-09. Review status: criteria provided, single submitter. Criteria: Ambry Variant Classification Scheme 2023. Collection method: clinical testing. Allele origin: germline.

Labcorp Genetics (formerly Invitae), Labcorp
Classification: Uncertain significance for MHC class II deficiency. Last evaluated: 2021-09-01. Review status: criteria provided, single submitter. Criteria: Invitae Variant Classification Sherloc (09022015). Collection method: clinical testing. Allele origin: germline.
Comment: This sequence change replaces threonine with methionine at codon 316 of the CIITA protein (p.Thr316Met). The threonine residue is weakly conserved and there is a moderate physicochemical difference between threonine and methionine. This variant is present in population databases (rs757632931, ExAC 0.03%). This variant has not been reported in the literature in individuals affected with CIITA-related conditions. Algorithms developed to predict the effect of missense changes on protein structure and function output the following: SIFT: "Tolerated"; PolyPhen-2: "Benign"; Align-GVGD: "Class C0". The methionine amino acid residue is found in multiple mammalian species, which suggests that this missense change does not adversely affect protein function. In summary, the available evidence is currently insufficient to determine the role of this variant in disease. Therefore, it has been classified as a Variant of Uncertain Significance.

Natera, Inc.
Classification: Uncertain significance for Bare lymphocyte syndrome type II. Last evaluated: 2020-01-24. Review status: no assertion criteria provided. Collection method: clinical testing. Allele origin: germline. Not counted in ClinVar's aggregate classification.

NM_000246.4(CIITA):c.947C>T (p.Thr316Met)

Gene: CIITA (class II major histocompatibility complex transactivator; plus strand). Cytogenetic location: 16p13.13.
Variant type: single nucleotide variant.
Coding change: c.947C>T on transcript NM_000246.4 (MANE Select); coding-DNA position 947, C replaced by T.
Protein change: p.Thr316Met; replaces threonine 316 with methionine.
Molecular consequence: missense variant. On other transcripts: non-coding transcript variant (1).
Genome position (GRCh38, 1-based): chr16:10,904,753, C>T. VCF-style: chr16-10904753-C-T. GRCh37 (hg19) VCF-style: chr16-10998610-C-T.
Other names: c.950C>T, p.Thr317Met (NM_001286402.1, NM_001379332.1); c.800C>T, p.Thr267Met (NM_001286403.2, NM_001379331.1); c.803C>T, p.Thr268Met (NM_001379330.1); c.947C>T, p.Thr316Met (NM_001379333.1); c.878C>T, p.Thr293Met (NM_001379334.1); short protein forms T267M, T316M, T317M, T268M, T293M.
Identifiers: ClinVar variation 859359 (VCV000859359.5), dbSNP rs757632931, ClinGen allele CA7899975.